The following is an entry in ClinVar:

ClinVar aggregate classification (germline): Uncertain significance. Review status: criteria provided, multiple submitters, no conflicts (2 of 4 stars). 5 submissions from 5 submitters: Uncertain significance (5). Last evaluated 2026-09-14.

Conditions:
CLN3-related disorder. Also called: CLN3-related condition. Identifiers: MedGen CN382248.
Neuronal ceroid lipofuscinosis. Also called: Neuronal Ceroid Lipofuscinoses. Identifiers: Orphanet 216, Orphanet 79263, MedGen C0027877, MONDO:0016295. Disease mechanism: loss of function.
Neuronal ceroid lipofuscinosis 3 (CLN3). Identifiers: Orphanet 228346, MedGen C0751383, MONDO:0008767, OMIM 204200.

Allele frequency attached by ClinVar (database versions not stated): ExAC 0.00002; gnomAD exomes 0.00003 and 0.00005; gnomAD 0.00004; TOPMed 0.00006.
gnomAD v4.1: 71 of 1,614,044 alleles (0.0044%); highest among the groups gnomAD compares: Non-Finnish European, 0.0058%; no homozygotes.

Submissions (5):

PreventionGenetics, part of Exact Sciences
Classification: Uncertain significance for CLN3-related condition. Last evaluated: 2026-09-14. Review status: criteria provided, single submitter. Criteria: ACMG Guidelines, 2015. Collection method: clinical testing. Allele origin: germline.
Comment: The CLN3 c.239C>T variant is predicted to result in the amino acid substitution p.Thr80Met. To our knowledge, this variant has not been reported in the literature. This variant is reported in 0.0054% of alleles in individuals of European (Non-Finnish) descent in gnomAD. At this time, the clinical significance of this variant is uncertain due to the absence of conclusive functional and genetic evidence.

Labcorp Genetics (formerly Invitae), Labcorp
Classification: Uncertain significance for Neuronal ceroid lipofuscinosis. Last evaluated: 2022-09-07. Review status: criteria provided, single submitter. Criteria: Invitae Variant Classification Sherloc (09022015). Collection method: clinical testing. Allele origin: germline.
Comment: This sequence change replaces threonine, which is neutral and polar, with methionine, which is neutral and non-polar, at codon 80 of the CLN3 protein (p.Thr80Met). This variant is present in population databases (rs775999656, gnomAD 0.004%). This variant has not been reported in the literature in individuals affected with CLN3-related conditions. ClinVar contains an entry for this variant (Variation ID: 449598). Algorithms developed to predict the effect of missense changes on protein structure and function output the following: SIFT: "Tolerated"; PolyPhen-2: "Benign"; Align-GVGD: "Class C0". The methionine amino acid residue is found in multiple mammalian species, which suggests that this missense change does not adversely affect protein function. In summary, the available evidence is currently insufficient to determine the role of this variant in disease. Therefore, it has been classified as a Variant of Uncertain Significance.

Genome-Nilou Lab
Classification: Uncertain significance for Neuronal ceroid lipofuscinosis 3. Last evaluated: 2021-09-05. Review status: criteria provided, single submitter. Criteria: ACMG Guidelines, 2015. Collection method: clinical testing. Allele origin: germline. Affected: no.

Illumina Laboratory Services, Illumina
Classification: Uncertain significance for Neuronal ceroid lipofuscinosis 3. Last evaluated: 2018-01-13. Review status: criteria provided, single submitter. Criteria: ICSL Variant Classification Criteria 13 December 2019. Collection method: clinical testing. Allele origin: germline.

GeneDx
Classification: Uncertain significance. Last evaluated: 2017-05-30. Review status: criteria provided, single submitter. Criteria: GeneDx Variant Classification (06012015). Collection method: clinical testing. Allele origin: germline. Affected: yes.
Comment: A variant of uncertain significance has been identified in the CLN3 gene. The T80M variant has not been published as a pathogenic variant, nor has it been reported as a benign variant to our knowledge. The T80M variant is not observed at a significant frequency in large population cohorts (Lek et al., 2016). The T80M variant is a non-conservative amino acid substitution, which is likely to impact secondary protein structure as these residues differ in polarity, charge, size and/or other properties. However, this substitution occurs at a position not conserved. In silico analysis is inconsistent in its predictions as to whether or not the variant is damaging to the protein structure/function. Therefore, based on the currently available information, it is unclear whether this variant is a pathogenic variant or a rare benign variant.

NM_001042432.2(CLN3):c.239C>T (p.Thr80Met)

Gene: CLN3 (CLN3 lysosomal/endosomal transmembrane protein, battenin; minus strand). Cytogenetic location: 16p12.1.
Variant type: single nucleotide variant.
Coding change: c.239C>T on transcript NM_001042432.2 (MANE Select); coding-DNA position 239, C replaced by T.
Protein change: p.Thr80Met; replaces threonine 80 with methionine.
Molecular consequence: missense variant. On other transcripts: intron variant (2).
Genome position (GRCh38, 1-based): chr16:28,488,646, G>A on the plus strand (C>T on the coding strand, the complement: CLN3 is on the minus strand). VCF-style: chr16-28488646-G-A. GRCh37 (hg19) VCF-style: chr16-28499967-G-A.
Other names: c.239C>T, p.Thr80Met (NM_000086.2); c.19C>T, p.Arg7Cys (NM_001286105.2); c.77C>T, p.Thr26Met (NM_001286110.2); c.60+644C>T (NM_001286109.2); c.222+644C>T (NM_001286104.2); short protein forms T80M, R7C, T26M.
Identifiers: ClinVar variation 449598 (VCV000449598.13), dbSNP rs775999656, ClinGen allele CA7981008.
Genomic context (GRCh38, chr16:28,488,646, plus strand): 5'-CGCACAGCCGTAGAGACAGAGTTGCAGTCAAATCGTGATGAGCTGTTGTGGGGGATCGGC[G>A]TTGGGCCTGGGTCCACCTAATGGGAGAAAAGCATGTCTTTCACCCTGGAGGCAGAGGGAT-3'
Protein context (NP_001035897.1, residues 70-90): GNQSHVDPGP[Thr80Met]PIPHNSSSRF